The following is an entry in ClinVar:

NM_024577.4(SH3TC2):c.3340C>G (p.Pro1114Ala)

Gene: SH3TC2 (SH3 domain and tetratricopeptide repeats 2; minus strand). Cytogenetic location: 5q32.
Variant type: single nucleotide variant.
Coding change: c.3340C>G on transcript NM_024577.4 (MANE Select); coding-DNA position 3340, C replaced by G.
Protein change: p.Pro1114Ala; replaces proline 1114 with alanine.
Molecular consequence: missense variant.
Genome position (GRCh38, 1-based): chr5:149,008,989, G>C on the plus strand (C>G on the coding strand, the complement: SH3TC2 is on the minus strand). VCF-style: chr5-149008989-G-C. GRCh37 (hg19) VCF-style: chr5-148388552-G-C.
Other names: short protein forms P1114A.
Identifiers: ClinVar variation 1366657 (VCV001366657.6), dbSNP rs757935041, ClinGen allele CA3498760.

ClinVar aggregate classification (germline): Uncertain significance (1 of 4 stars; one submission).

Conditions:
Charcot-Marie-Tooth disease type 4. Also called: Charcot-Marie-Tooth, Type 4; Charcot-Marie-Tooth disease, type IV. Identifiers: Orphanet 64749, MedGen C4082197, MONDO:0018995.

Allele frequency attached by ClinVar (database versions not stated): TOPMed below 0.00001; ExAC 0.00001; gnomAD 0.00001; gnomAD exomes 0.00001.
gnomAD v4.1: 11 of 1,614,052 alleles (0.00068%); highest among the groups gnomAD compares: Non-Finnish European, 0.00093%; no homozygotes.

Submission:

Labcorp Genetics (formerly Invitae), Labcorp
Classification: Uncertain significance for Charcot-Marie-Tooth disease type 4. Last evaluated: 2022-11-22. Review status: criteria provided, single submitter. Criteria: Invitae Variant Classification Sherloc (09022015). Collection method: clinical testing. Allele origin: germline.
Comment: ClinVar contains an entry for this variant (Variation ID: 1366657). This variant has not been reported in the literature in individuals affected with SH3TC2-related conditions. This variant is present in population databases (rs757935041, gnomAD 0.002%). This sequence change replaces proline, which is neutral and non-polar, with alanine, which is neutral and non-polar, at codon 1114 of the SH3TC2 protein (p.Pro1114Ala). Algorithms developed to predict the effect of missense changes on protein structure and function (SIFT, PolyPhen-2, Align-GVGD) all suggest that this variant is likely to be disruptive. In summary, the available evidence is currently insufficient to determine the role of this variant in disease. Therefore, it has been classified as a Variant of Uncertain Significance.